The following is an entry in ClinVar:

ClinVar aggregate classification (germline): Uncertain significance (1 of 4 stars; one submission).

Allele frequency attached by ClinVar (database versions not stated): gnomAD 0.00001; gnomAD exomes 0.00002; TOPMed 0.00002; 1000 Genomes Project 0.00020; 1000 Genomes Project 30x 0.00031.

Submission:

Labcorp Genetics (formerly Invitae), Labcorp
Classification: Uncertain significance. Last evaluated: 2024-10-30. Review status: criteria provided, single submitter. Criteria: Invitae Variant Classification Sherloc (09022015). Collection method: clinical testing. Allele origin: germline.
Comment: This sequence change replaces proline, which is neutral and non-polar, with serine, which is neutral and polar, at codon 291 of the C1S protein (p.Pro291Ser). The frequency data for this variant in the population databases is considered unreliable, as metrics indicate poor data quality at this position in the gnomAD database. This variant has not been reported in the literature in individuals affected with C1S-related conditions. ClinVar contains an entry for this variant (Variation ID: 2985262). An algorithm developed to predict the effect of missense changes on protein structure and function (PolyPhen-2) suggests that this variant is likely to be disruptive. In summary, the available evidence is currently insufficient to determine the role of this variant in disease. Therefore, it has been classified as a Variant of Uncertain Significance.

NM_001734.5(C1S):c.871C>T (p.Pro291Ser)

Gene: C1S (complement C1s; plus strand). Cytogenetic location: 12p13.31.
Variant type: single nucleotide variant.
Coding change: c.871C>T on transcript NM_001734.5 (MANE Select); coding-DNA position 871, C replaced by T.
Protein change: p.Pro291Ser; replaces proline 291 with serine.
Molecular consequence: missense variant.
Genome position (GRCh38, 1-based): chr12:7,065,970, C>T. VCF-style: chr12-7065970-C-T. GRCh37 (hg19) VCF-style: chr12-7173274-C-T.
Other names: c.370C>T, p.Pro124Ser (NM_001346850.2); c.871C>T, p.Pro291Ser (NM_201442.4); short protein forms P291S, P124S.
Identifiers: ClinVar variation 2985262 (VCV002985262.3), dbSNP rs148512159, ClinGen allele CA232455560.